The following is an entry in ClinVar:

ClinVar aggregate classification (germline): Uncertain significance (1 of 4 stars; one submission).

Allele frequency attached by ClinVar (database versions not stated): gnomAD exomes 0.00001 and 0.00002.

Submission:

Labcorp Genetics (formerly Invitae), Labcorp
Classification: Uncertain significance. Last evaluated: 2021-09-02. Review status: criteria provided, single submitter. Criteria: Invitae Variant Classification Sherloc (09022015). Collection method: clinical testing. Allele origin: germline.
Comment: This sequence change replaces alanine with serine at codon 2168 of the SZT2 protein (p.Ala2168Ser). The alanine residue is moderately conserved and there is a moderate physicochemical difference between alanine and serine. This variant is not present in population databases (ExAC no frequency). This variant has not been reported in the literature in individuals affected with SZT2-related conditions. Algorithms developed to predict the effect of missense changes on protein structure and function (SIFT, PolyPhen-2, Align-GVGD) all suggest that this variant is likely to be tolerated. In summary, the available evidence is currently insufficient to determine the role of this variant in disease. Therefore, it has been classified as a Variant of Uncertain Significance.

NM_001365999.1(SZT2):c.6673G>T (p.Ala2225Ser)

Gene: SZT2 (SZT2 subunit of KICSTOR complex; plus strand). Cytogenetic location: 1p34.2.
Variant type: single nucleotide variant.
Coding change: c.6673G>T on transcript NM_001365999.1 (MANE Select); coding-DNA position 6673, G replaced by T.
Protein change: p.Ala2225Ser; replaces alanine 2225 with serine.
Molecular consequence: missense variant.
Genome position (GRCh38, 1-based): chr1:43,438,974, G>T. VCF-style: chr1-43438974-G-T. GRCh37 (hg19) VCF-style: chr1-43904645-G-T.
Other names: c.6502G>T, p.Ala2168Ser (NM_015284.4); short protein forms A2225S, A2168S.
Identifiers: ClinVar variation 936211 (VCV000936211.7), dbSNP rs1483538561, ClinGen allele CA340031639.